The following is an entry in ClinVar:

ClinVar aggregate classification (germline): Uncertain significance (1 of 4 stars; one submission).

Conditions:
Congenital myasthenic syndrome 2A. Also called: Myasthenic syndrome, congenital, 2a, slow-channel. Identifiers: Orphanet 590, MedGen C4225374, MONDO:0014581, OMIM 616313.

Submission:

Labcorp Genetics (formerly Invitae), Labcorp
Classification: Uncertain significance for Congenital myasthenic syndrome 2A. Last evaluated: 2026-01-06. Review status: criteria provided, single submitter. Criteria: Invitae Variant Classification Sherloc (09022015). Collection method: clinical testing. Allele origin: germline.
Comment: This variant, c.38_46del, results in the deletion of 3 amino acid(s) of the CHRNB1 protein (p.Leu13_Ala15del), but otherwise preserves the integrity of the reading frame. This variant is present in population databases (rs754981832, gnomAD 0.004%). This variant has not been reported in the literature in individuals affected with CHRNB1-related conditions. Experimental studies and prediction algorithms are not available or were not evaluated, and the functional significance of this variant is currently unknown. In summary, the available evidence is currently insufficient to determine the role of this variant in disease. Therefore, it has been classified as a Variant of Uncertain Significance.

NM_000747.3(CHRNB1):c.29TGGGGGCGC[1] (p.10LGA[1])

Genes: CHRNB1 (cholinergic receptor nicotinic beta 1 subunit; plus strand), LOC130060147 (ATAC-STARR-seq lymphoblastoid silent region 8121; plus strand). Cytogenetic location: 17p13.1.
Variant type: Microsatellite.
Coding change: c.29TGGGGGCGC[1] on transcript NM_000747.3 (MANE Select); one copy of the 9-base unit TGGGGGCGC starting at c.29; the reference has two copies in a row; one copy, 9 bases deleted.
Protein change: p.10LGA[1].
Molecular consequence: inframe deletion.
Genome position (GRCh38, 1-based): chr17:7,445,165-7,445,173, TGGGGGCGC deleted; deleting any 9 consecutive bases within chr17:7,445,154-7,445,173 gives the same sequence; the position shown is the placement nearest the transcript's 3' end. VCF-style (leftmost placement, unchanged base first): chr17-7445153-TGCTGGGGGC-T. GRCh37 (hg19) VCF-style: chr17-7348472-TGCTGGGGGC-T.
Identifiers: ClinVar variation 2067535 (VCV002067535.4), dbSNP rs754981832, ClinGen allele CA8347597.
Genomic context (GRCh38, chr17:7,445,153, plus strand): 5'-TCTCTGAGCGAAGTCACTGAGCGAGCCGCCAGGCTATGACCCCAGGGGCTCTGCTGATGC[TGCTGGGGGC>T]GCTGGGGGCGCCGCTCGCCCCAGGTAAGTGTAGGCCCCGAAGGGGCAGTGACGGGGCCAG-3'